The following is an entry in ClinVar:

ClinVar aggregate classification (germline): Conflicting classifications of pathogenicity. Review status: criteria provided, conflicting classifications (1 of 4 stars). 3 submissions from 3 submitters: Uncertain significance (2); Likely benign (1). Last evaluated 2026-06-04.

Conditions:
Renal cell carcinoma. Identifiers: Orphanet 217071, MedGen C0007134, MeSH D002292, MONDO:0005086, HP:0005584.
Autosomal recessive nonsyndromic hearing loss 97. Also called: Deafness, autosomal recessive 97. Identifiers: Orphanet 90636, MedGen C4084709, MONDO:0014739, OMIM 616705.
Hereditary cancer-predisposing syndrome. Also called: Neoplastic Syndromes, Hereditary; Tumor predisposition; Hereditary Cancer Syndrome; Hereditary neoplastic syndrome. Identifiers: Orphanet 140162, MedGen C0027672, MeSH D009386, MONDO:0015356.

Allele frequency attached by ClinVar (database versions not stated): gnomAD exomes below 0.00001.
gnomAD v4.1: 1 of 1,613,948 alleles (0.000062%); highest among the groups gnomAD compares: Non-Finnish European, 0.000085%; no homozygotes.

Submissions (3):

Ambry Genetics
Classification: Likely benign for Hereditary cancer-predisposing syndrome. Last evaluated: 2026-06-04. Review status: criteria provided, single submitter. Criteria: Ambry Variant Classification Scheme 2023. Collection method: clinical testing. Allele origin: germline.

Labcorp Genetics (formerly Invitae), Labcorp
Classification: Uncertain significance for Renal cell carcinoma. Last evaluated: 2024-05-27. Review status: criteria provided, single submitter. Criteria: Invitae Variant Classification Sherloc (09022015). Collection method: clinical testing. Allele origin: germline.
Comment: This sequence change replaces isoleucine, which is neutral and non-polar, with valine, which is neutral and non-polar, at codon 62 of the MET protein (p.Ile62Val). This variant is not present in population databases (gnomAD no frequency). This variant has not been reported in the literature in individuals affected with MET-related conditions. ClinVar contains an entry for this variant (Variation ID: 1781295). Advanced modeling of protein sequence and biophysical properties (such as structural, functional, and spatial information, amino acid conservation, physicochemical variation, residue mobility, and thermodynamic stability) performed at Invitae indicates that this missense variant is not expected to disrupt MET protein function with a negative predictive value of 80%. In summary, the available evidence is currently insufficient to determine the role of this variant in disease. Therefore, it has been classified as a Variant of Uncertain Significance.

Baylor Genetics
Classification: Uncertain significance for Autosomal recessive nonsyndromic hearing loss 97. Last evaluated: 2023-10-16. Review status: criteria provided, single submitter. Criteria: ACMG Guidelines, 2015. Collection method: clinical testing. Allele origin: unknown.

NM_000245.4(MET):c.184A>G (p.Ile62Val)

Gene: MET (MET proto-oncogene, receptor tyrosine kinase; plus strand). Cytogenetic location: 7q31.2.
Variant type: single nucleotide variant.
Coding change: c.184A>G on transcript NM_000245.4 (MANE Select); coding-DNA position 184, A replaced by G.
Protein change: p.Ile62Val; replaces isoleucine 62 with valine.
Molecular consequence: missense variant. On other transcripts: intron variant (1).
Genome position (GRCh38, 1-based): chr7:116,699,268, A>G. VCF-style: chr7-116699268-A-G. GRCh37 (hg19) VCF-style: chr7-116339322-A-G.
Other names: c.184A>G, p.Ile62Val (NM_001127500.3, NM_001324401.3); c.-91+26691A>G (NM_001324402.2); short protein forms I62V.
Identifiers: ClinVar variation 1781295 (VCV001781295.6), dbSNP rs2485506452, ClinGen allele CA368968519.